The following is an entry in ClinVar:

ClinVar aggregate classification (germline): Uncertain significance. Review status: criteria provided, single submitter (1 of 4 stars). 2 submissions from 2 submitters: Uncertain significance (1). 1 of the submissions does not count toward it. Last evaluated 2020-01-15.

Conditions:
Zellweger spectrum disorders (ZS). Also called: Zellweger syndrome; Zellweger Spectrum Disorder; Zellweger Spectrum; Zellweger Spectrum Disorder (ZSD). Identifiers: Orphanet 912, MedGen C0043459, MONDO:0019609.

Allele frequency attached by ClinVar (database versions not stated): gnomAD exomes below 0.00001; ExAC 0.00001; gnomAD 0.00001; TOPMed 0.00001.
gnomAD v4.1: 2 of 1,613,452 alleles (0.00012%); highest among the groups gnomAD compares: African/African-American, 0.0027%; no homozygotes.

Submissions (2):

Labcorp Genetics (formerly Invitae), Labcorp
Classification: Uncertain significance for Zellweger spectrum disorders. Last evaluated: 2020-01-15. Review status: criteria provided, single submitter. Criteria: Invitae Variant Classification Sherloc (09022015). Collection method: clinical testing. Allele origin: germline.
Comment: This variant is present in population databases (rs750928084, ExAC 0.01%). This variant has not been reported in the literature in individuals with PEX1-related conditions. Algorithms developed to predict the effect of missense changes on protein structure and function (SIFT, PolyPhen-2, Align-GVGD) all suggest that this variant is likely to be disruptive, but these predictions have not been confirmed by published functional studies and their clinical significance is uncertain. In summary, the available evidence is currently insufficient to determine the role of this variant in disease. Therefore, it has been classified as a Variant of Uncertain Significance. This sequence change replaces valine with alanine at codon 147 of the PEX1 protein (p.Val147Ala). The valine residue is moderately conserved and there is a small physicochemical difference between valine and alanine.

Natera, Inc.
Classification: Uncertain significance for Zellweger syndrome. Last evaluated: 2019-11-04. Review status: no assertion criteria provided. Collection method: clinical testing. Allele origin: germline. Not counted in ClinVar's aggregate classification.

NM_000466.3(PEX1):c.440T>C (p.Val147Ala)

Gene: PEX1 (peroxisomal biogenesis factor 1; minus strand). Cytogenetic location: 7q21.2.
Variant type: single nucleotide variant.
Coding change: c.440T>C on transcript NM_000466.3 (MANE Select); coding-DNA position 440, T replaced by C.
Protein change: p.Val147Ala; replaces valine 147 with alanine.
Molecular consequence: missense variant. On other transcripts: 5 prime UTR variant (1).
Genome position (GRCh38, 1-based): chr7:92,518,173, A>G on the plus strand (T>C on the coding strand, the complement: PEX1 is on the minus strand). VCF-style: chr7-92518173-A-G. GRCh37 (hg19) VCF-style: chr7-92147487-A-G.
Other names: c.440T>C, p.Val147Ala (NM_001282677.2); c.-185T>C (NM_001282678.2); short protein forms V147A.
Identifiers: ClinVar variation 1056686 (VCV001056686.13), dbSNP rs750928084, ClinGen allele CA4341610.